The following is an entry in ClinVar:

NM_006258.4(PRKG1):c.1832+5G>A

Gene: PRKG1 (protein kinase cGMP-dependent 1; plus strand). Cytogenetic location: 10q21.1.
Variant type: single nucleotide variant.
Coding change: c.1832+5G>A on transcript NM_006258.4 (MANE Select); 5 bases into the intron after coding-DNA position 1832, G replaced by A.
Molecular consequence: intron variant.
Genome position (GRCh38, 1-based): chr10:52,288,853, G>A. VCF-style: chr10-52288853-G-A. GRCh37 (hg19) VCF-style: chr10-54048613-G-A.
Other names: c.1787+5G>A (LRG_1135t2, NM_001098512.3); c.1832+5G>A (LRG_1135t1).
Identifiers: ClinVar variation 579725 (VCV000579725.10), dbSNP rs752357283, ClinGen allele CA5503940.

ClinVar aggregate classification (germline): Uncertain significance. Review status: criteria provided, multiple submitters, no conflicts (2 of 4 stars). 2 submissions from 2 submitters: Uncertain significance (2). Last evaluated 2025-12-06.

Conditions:
Familial thoracic aortic aneurysm and aortic dissection (TAAD). Also called: Thoracic aortic aneurysms and dissections. Identifiers: Orphanet 91387, MedGen C4707243, MONDO:0019625.
Aortic aneurysm, familial thoracic 8 (AAT8). Identifiers: MedGen C3809513, MONDO:0014187, OMIM 615436.

Allele frequency attached by ClinVar (database versions not stated): ExAC 0.00003; gnomAD exomes 0.00003 and 0.00004.
gnomAD v4.1: 62 of 1,598,742 alleles (0.0039%); highest among the groups gnomAD compares: Non-Finnish European, 0.005%; no homozygotes.

Submissions (2):

Labcorp Genetics (formerly Invitae), Labcorp
Classification: Uncertain significance for Aortic aneurysm, familial thoracic 8. Last evaluated: 2025-12-06. Review status: criteria provided, single submitter. Criteria: Invitae Variant Classification Sherloc (09022015). Collection method: clinical testing. Allele origin: germline.
Comment: This sequence change falls in intron 15 of the PRKG1 gene. It does not directly change the encoded amino acid sequence of the PRKG1 protein. It affects a nucleotide within the consensus splice site. This variant is present in population databases (rs752357283, gnomAD 0.007%). This variant has been observed in individual(s) with clinical features of PRKG1-related conditions (internal data). ClinVar contains an entry for this variant (Variation ID: 579725). Variants that disrupt the consensus splice site are a relatively common cause of aberrant splicing (PMID: 17576681, 9536098). Algorithms developed to predict the effect of sequence changes on RNA splicing suggest that this variant is not likely to affect RNA splicing. In summary, the available evidence is currently insufficient to determine the role of this variant in disease. Therefore, it has been classified as a Variant of Uncertain Significance.

Ambry Genetics
Classification: Uncertain significance for Familial thoracic aortic aneurysm and aortic dissection. Last evaluated: 2024-07-11. Review status: criteria provided, single submitter. Criteria: Ambry Variant Classification Scheme 2023. Collection method: clinical testing. Allele origin: germline.
Comment: The c.1832+5G>A intronic variant results from a G to A substitution 5 nucleotides after coding exon 15 in the PRKG1 gene. This nucleotide position is well conserved in available vertebrate species. In silico splice site analysis predicts that this alteration will not have any significant effect on splicing. Since supporting evidence is limited at this time, the clinical significance of this alteration remains unclear.

Literature cited by the submitters: PubMed 17576681 (cited by Labcorp Genetics (formerly Invitae), Labcorp); PubMed 9536098 (cited by Labcorp Genetics (formerly Invitae), Labcorp).